The following is an entry in ClinVar:

ClinVar aggregate classification (germline): Uncertain significance (1 of 4 stars; one submission).

gnomAD v4.1: 2 of 1,542,304 alleles (0.00013%); highest among the groups gnomAD compares: Admixed American, 0.002%; no homozygotes.

Submission:

Labcorp Genetics (formerly Invitae), Labcorp
Classification: Uncertain significance. Last evaluated: 2024-04-17. Review status: criteria provided, single submitter. Criteria: Invitae Variant Classification Sherloc (09022015). Collection method: clinical testing. Allele origin: germline.
Comment: This sequence change replaces serine, which is neutral and polar, with arginine, which is basic and polar, at codon 1871 of the ZNF469 protein (p.Ser1871Arg). This variant is not present in population databases (gnomAD no frequency). This variant has not been reported in the literature in individuals affected with ZNF469-related conditions. ClinVar contains an entry for this variant (Variation ID: 1477382). Algorithms developed to predict the effect of missense changes on protein structure and function output the following: SIFT: "Not Available"; PolyPhen-2: "Benign"; Align-GVGD: "Not Available". The arginine amino acid residue is found in multiple mammalian species, which suggests that this missense change does not adversely affect protein function. In summary, the available evidence is currently insufficient to determine the role of this variant in disease. Therefore, it has been classified as a Variant of Uncertain Significance.

NM_001367624.2(ZNF469):c.5697C>G (p.Ser1899Arg)

Gene: ZNF469 (zinc finger protein 469; plus strand). Cytogenetic location: 16q24.2.
Variant type: single nucleotide variant.
Coding change: c.5697C>G on transcript NM_001367624.2 (MANE Select); coding-DNA position 5697, C replaced by G.
Protein change: p.Ser1899Arg; replaces serine 1899 with arginine.
Molecular consequence: missense variant.
Genome position (GRCh38, 1-based): chr16:88,433,167, C>G. VCF-style: chr16-88433167-C-G. GRCh37 (hg19) VCF-style: chr16-88499575-C-G.
Other names: short protein forms S1899R.
Identifiers: ClinVar variation 1477382 (VCV001477382.5), dbSNP rs111986360, ClinGen allele CA397101841.
Genomic context (GRCh38, chr16:88,433,167, plus strand): 5'-AAGTCCCGCCTGTGTATCCAACACCCACCCTAGCAGGAGGTCCCAGGACCCAGCTTTGAG[C>G]CCCCCCATACGTCAGCTCCAGCTCCCAGGGCCTGGAGTGGCTAAGAGTAAAGATGGCATC-3'
Protein context (NP_001354553.1, residues 1889-1909): PSRRSQDPAL[Ser1899Arg]PPIRQLQLPG